The following is an entry in ClinVar:

ClinVar aggregate classification (germline): Uncertain significance (1 of 4 stars; one submission).

Conditions:
Dilated cardiomyopathy 1G (CMD1G). Identifiers: Orphanet 154, MedGen C1858763, MONDO:0011400, OMIM 604145.
Autosomal recessive limb-girdle muscular dystrophy type 2J (LGMDR10). Also called: Limb-girdle muscular dystrophy, type 2J; MUSCULAR DYSTROPHY, LIMB-GIRDLE, AUTOSOMAL RECESSIVE 10. Identifiers: Orphanet 140922, MedGen C1837342, MONDO:0012127, OMIM 608807.

Allele frequency attached by ClinVar (database versions not stated): ExAC 0.00001.

Submission:

Labcorp Genetics (formerly Invitae), Labcorp
Classification: Uncertain significance for Dilated cardiomyopathy 1G; Autosomal recessive limb-girdle muscular dystrophy type 2J. Last evaluated: 2025-04-30. Review status: criteria provided, single submitter. Criteria: Invitae Variant Classification Sherloc (09022015). Collection method: clinical testing. Allele origin: germline.
Comment: This sequence change replaces glutamic acid, which is acidic and polar, with alanine, which is neutral and non-polar, at codon 35308 of the TTN protein (p.Glu35308Ala). This variant is present in population databases (rs754935594, gnomAD 0.007%). This variant has not been reported in the literature in individuals affected with TTN-related conditions. ClinVar contains an entry for this variant (Variation ID: 2937849). Experimental studies and prediction algorithms are not available or were not evaluated, and the functional significance of this variant is currently unknown. This variant is located in the M band of TTN (PMID: 25589632). Non-truncating variants in this region may be relevant for neuromuscular disorders, but have not been definitively shown to cause cardiomyopathy (PMID: 23975875). In summary, the available evidence is currently insufficient to determine the role of this variant in disease. Therefore, it has been classified as a Variant of Uncertain Significance.

Literature cited by the submitters: PubMed 25589632; PubMed 23975875.

NM_001267550.2(TTN):c.105923A>C (p.Glu35308Ala)

Genes: TTN (titin; minus strand), TTN-AS1 (TTN antisense RNA 1; plus strand), LOC129935183 (ATAC-STARR-seq lymphoblastoid active region 16808; plus strand). Cytogenetic location: 2q31.2.
Variant type: single nucleotide variant.
Coding change: c.105923A>C on transcript NM_001267550.2 (MANE Select); coding-DNA position 105923, A replaced by C.
Protein change: p.Glu35308Ala; replaces glutamic acid 35308 with alanine.
Molecular consequence: missense variant.
Genome position (GRCh38, 1-based): chr2:178,530,692, T>G on the plus strand (A>C on the coding strand, the complement: TTN is on the minus strand). VCF-style: chr2-178530692-T-G. GRCh37 (hg19) VCF-style: chr2-179395419-T-G.
Other names: c.101000A>C, p.Glu33667Ala (NM_001256850.1); c.78728A>C, p.Glu26243Ala (NM_003319.4); c.98219A>C, p.Glu32740Ala (NM_133378.4); c.79103A>C, p.Glu26368Ala (NM_133432.3); c.79304A>C, p.Glu26435Ala (NM_133437.4); short protein forms E26243A, E35308A, E26368A, E33667A, E32740A, E26435A.
Identifiers: ClinVar variation 2937849 (VCV002937849.3), dbSNP rs754935594, ClinGen allele CA1985187.